The following is an entry in ClinVar:

ClinVar aggregate classification (germline): Likely pathogenic (1 of 4 stars; one submission).

Submission:

Dasa
Classification: Likely pathogenic. Last evaluated: 2026-01-12. Review status: criteria provided, single submitter. Criteria: DASA Assertion Criteria. Collection method: clinical testing. Allele origin: germline.
Comment: NM_015512.5(DNAH1):c.303_304del (p.Leu102Glnfs*26) is a frameshift variant in DNAH1 predicted to alter the reading frame and introduce a premature termination codon and is predicted to result in an absent or altered protein product. Loss of function is an established disease mechanism for DNAH1-associated disorders. Also, this variant is rare in population databases. Based on the currently available evidence, this variant is classified as likely pathogenic.

NM_015512.5(DNAH1):c.303_304del (p.Leu102fs)

Gene: DNAH1 (dynein axonemal heavy chain 1; plus strand). Cytogenetic location: 3p21.1.
Variant type: Deletion.
Coding change: c.303_304del on transcript NM_015512.5 (MANE Select); coding-DNA positions 303 to 304, 2 bases deleted (CC; older notation c.303_304delCC).
Protein change: p.Leu102fs; shifts the reading frame from leucine 102.
Molecular consequence: frameshift variant.
Genome position (GRCh38, 1-based): chr3:52,322,745-52,322,746, CC deleted. VCF-style (leftmost placement, unchanged base first): chr3-52322744-TCC-T. GRCh37 (hg19) VCF-style: chr3-52356760-TCC-T.
Other names: short protein forms L102fs.
Identifiers: ClinVar variation 4880695 (VCV004880695.2).